The following is an entry in ClinVar:

NM_015374.3(SUN2):c.614+7G>A

Gene: SUN2 (Sad1 and UNC84 domain containing 2; minus strand). Cytogenetic location: 22q13.1.
Variant type: single nucleotide variant.
Coding change: c.614+7G>A on transcript NM_015374.3 (MANE Select); 7 bases into the intron after coding-DNA position 614, G replaced by A.
Molecular consequence: intron variant.
Genome position (GRCh38, 1-based): chr22:38,749,759, C>T on the plus strand (G>A on the coding strand, the complement: SUN2 is on the minus strand). VCF-style: chr22-38749759-C-T. GRCh37 (hg19) VCF-style: chr22-39145764-C-T.
Other names: c.677+7G>A (NM_001199579.2); c.614+7G>A (NM_001199580.2).
Identifiers: ClinVar variation 704294 (VCV000704294.34), dbSNP rs202214602, ClinGen allele CA10235863.

ClinVar aggregate classification (germline): Benign/Likely benign. Review status: criteria provided, multiple submitters, no conflicts (2 of 4 stars). 2 submissions from 2 submitters: Benign (1); Likely benign (1). Last evaluated 2026-01-26.

Conditions:
Emery-Dreifuss muscular dystrophy (EDMD). Also called: Scapuloperoneal syndrome, X-linked (formerly); Humeroperoneal neuromuscular disease, (formerly). Identifiers: Orphanet 261, MedGen C0410189, MONDO:0016830.

Allele frequency attached by ClinVar (database versions not stated): gnomAD 0.00070 and 0.00071; TOPMed 0.00076; ExAC 0.00095; gnomAD exomes 0.00135 and 0.00064; 1000 Genomes Project 0.00020; 1000 Genomes Project 30x 0.00031; ESP Exome Variant Server 0.00069.

Submissions (2):

Labcorp Genetics (formerly Invitae), Labcorp
Classification: Benign for Emery-Dreifuss muscular dystrophy. Last evaluated: 2026-01-26. Review status: criteria provided, single submitter. Criteria: Invitae Variant Classification Sherloc (09022015). Collection method: clinical testing. Allele origin: germline.

CeGaT Center for Human Genetics Tuebingen
Classification: Likely benign. Last evaluated: 2022-03-01. Review status: criteria provided, single submitter. Criteria: CeGaT Center For Human Genetics Tuebingen Variant Classification Criteria Version 2. Collection method: clinical testing. Allele origin: germline. Affected: yes. Observed: 1 variant allele.
Comment: SUN2: BP4